The following is an entry in ClinVar:

NM_000255.4(MMUT):c.1957-3T>C

Gene: MMUT (methylmalonyl-CoA mutase; minus strand). Cytogenetic location: 6p12.3.
Variant type: single nucleotide variant.
Coding change: c.1957-3T>C on transcript NM_000255.4 (MANE Select); 3 bases into the intron before coding-DNA position 1957, T replaced by C.
Molecular consequence: intron variant.
Genome position (GRCh38, 1-based): chr6:49,435,626, A>G on the plus strand (T>C on the coding strand, the complement: MMUT is on the minus strand). VCF-style: chr6-49435626-A-G. GRCh37 (hg19) VCF-style: chr6-49403339-A-G.
Identifiers: ClinVar variation 1909174 (VCV001909174.5), dbSNP rs1474493347, ClinGen allele CA566928408.

ClinVar aggregate classification (germline): Uncertain significance (1 of 4 stars; one submission).

Allele frequency attached by ClinVar (database versions not stated): gnomAD exomes 0.00001.
gnomAD v4.1: 8 of 1,612,724 alleles (0.0005%); highest among the groups gnomAD compares: Middle Eastern, 0.017%; no homozygotes.

Submission:

Labcorp Genetics (formerly Invitae), Labcorp
Classification: Uncertain significance. Last evaluated: 2023-04-18. Review status: criteria provided, single submitter. Criteria: Invitae Variant Classification Sherloc (09022015). Collection method: clinical testing. Allele origin: germline.
Comment: This variant is present in population databases (no rsID available, gnomAD 0.0009%). In summary, the available evidence is currently insufficient to determine the role of this variant in disease. Therefore, it has been classified as a Variant of Uncertain Significance. Variants that disrupt the consensus splice site are a relatively common cause of aberrant splicing (PMID: 17576681, 9536098). Algorithms developed to predict the effect of sequence changes on RNA splicing suggest that this variant is not likely to affect RNA splicing. ClinVar contains an entry for this variant (Variation ID: 1909174). This variant has not been reported in the literature in individuals affected with MUT-related conditions. This sequence change falls in intron 11 of the MUT gene. It does not directly change the encoded amino acid sequence of the MUT protein. It affects a nucleotide within the consensus splice site.

Literature cited by the submitters: PubMed 17576681; PubMed 9536098.